The following is an entry in ClinVar:

NM_014244.5(ADAMTS2):c.3352G>A (p.Val1118Met)

Gene: ADAMTS2 (ADAM metallopeptidase with thrombospondin type 1 motif 2; minus strand). Cytogenetic location: 5q35.3.
Variant type: single nucleotide variant.
Coding change: c.3352G>A on transcript NM_014244.5 (MANE Select); coding-DNA position 3352, G replaced by A.
Protein change: p.Val1118Met; replaces valine 1118 with methionine.
Molecular consequence: missense variant.
Genome position (GRCh38, 1-based): chr5:179,114,151, C>T on the plus strand (G>A on the coding strand, the complement: ADAMTS2 is on the minus strand). VCF-style: chr5-179114151-C-T. GRCh37 (hg19) VCF-style: chr5-178541152-C-T.
Other names: short protein forms V1118M.
Identifiers: ClinVar variation 650995 (VCV000650995.16), dbSNP rs148717330, ClinGen allele CA3595249.

ClinVar aggregate classification (germline): Uncertain significance. Review status: criteria provided, multiple submitters, no conflicts (2 of 4 stars). 6 submissions from 6 submitters: Uncertain significance (5). 1 of the submissions does not count toward it. Last evaluated 2025-11-23.

Conditions:
Inborn genetic diseases. Identifiers: MedGen C0950123, MeSH D030342.
Ehlers-Danlos syndrome (EDS). Identifiers: Orphanet 98249, MedGen C0013720, MONDO:0020066.
Ehlers-Danlos syndrome, dermatosparaxis type. Also called: Dermatosparaxis; Ehlers-Danlos syndrome, type VII, autosomal recessive; EDS VIIC. Identifiers: Orphanet 1901, MedGen C2700425, MONDO:0009161, OMIM 225410.

Allele frequency attached by ClinVar (database versions not stated): ExAC 0.00011; 1000 Genomes Project 30x 0.00016; gnomAD exomes 0.00017; gnomAD 0.00019 and 0.00020; 1000 Genomes Project 0.00020; TOPMed 0.00020; ESP Exome Variant Server 0.00023.
gnomAD v4.1: 164 of 1,613,132 alleles (0.01%); highest among the groups gnomAD compares: Admixed American, 0.035%; no homozygotes.

Submissions (6):

Ambry Genetics
Classification: Uncertain significance for Inborn genetic diseases. Last evaluated: 2025-11-23. Review status: criteria provided, single submitter. Criteria: Ambry Variant Classification Scheme 2023. Collection method: clinical testing. Allele origin: germline.

Women's Health and Genetics/Laboratory Corporation of America, LabCorp
Classification: Uncertain significance. Last evaluated: 2025-04-14. Review status: criteria provided, single submitter. Criteria: LabCorp Variant Classification Summary - May 2015. Collection method: clinical testing. Allele origin: germline.
Comment: Variant summary: ADAMTS2 c.3352G>A (p.Val1118Met) results in a conservative amino acid change in the encoded protein sequence. Five of five in-silico tools predict a benign effect of the variant on protein function. The variant allele was found at a frequency of 0.00017 in 251010 control chromosomes (gnomAD). This frequency is not significantly higher than estimated for a pathogenic variant in ADAMTS2 causing Ehlers-Danlos syndrome, dermatosparaxis type (0.00017 vs 0.0011), allowing no conclusion about variant significance. To our knowledge, no occurrence of c.3352G>A in individuals affected with Ehlers-Danlos syndrome, dermatosparaxis type and no experimental evidence demonstrating its impact on protein function have been reported. ClinVar contains an entry for this variant (Variation ID: 650995). Based on the evidence outlined above, the variant was classified as uncertain significance.

GeneDx
Classification: Uncertain significance. Last evaluated: 2022-08-25. Review status: criteria provided, single submitter. Criteria: GeneDx Variant Classification Process June 2021. Collection method: clinical testing. Allele origin: germline. Affected: yes.
Comment: Has not been previously published as pathogenic or benign to our knowledge; In silico analysis supports that this missense variant does not alter protein structure/function

Labcorp Genetics (formerly Invitae), Labcorp
Classification: Uncertain significance for Ehlers-Danlos syndrome, dermatosparaxis type. Last evaluated: 2022-07-12. Review status: criteria provided, single submitter. Criteria: Invitae Variant Classification Sherloc (09022015). Collection method: clinical testing. Allele origin: germline.
Comment: This sequence change replaces valine, which is neutral and non-polar, with methionine, which is neutral and non-polar, at codon 1118 of the ADAMTS2 protein (p.Val1118Met). This variant is present in population databases (rs148717330, gnomAD 0.05%). This variant has not been reported in the literature in individuals affected with ADAMTS2-related conditions. ClinVar contains an entry for this variant (Variation ID: 650995). Algorithms developed to predict the effect of missense changes on protein structure and function (SIFT, PolyPhen-2, Align-GVGD) all suggest that this variant is likely to be tolerated. In summary, the available evidence is currently insufficient to determine the role of this variant in disease. Therefore, it has been classified as a Variant of Uncertain Significance.

Genome Diagnostics Laboratory, The Hospital for Sick Children
Classification: Uncertain significance for Ehlers-Danlos syndrome. Last evaluated: 2020-06-01. Review status: criteria provided, single submitter. Criteria: ACMG Guidelines, 2015. Collection method: clinical testing. Allele origin: germline.

Natera, Inc.
Classification: Uncertain significance for Ehlers-Danlos syndrome type VIIC. Last evaluated: 2020-03-17. Review status: no assertion criteria provided. Collection method: clinical testing. Allele origin: germline. Not counted in ClinVar's aggregate classification.